The following is an entry in ClinVar:

ClinVar aggregate classification (germline): Pathogenic/Likely pathogenic. Review status: criteria provided, multiple submitters, no conflicts (2 of 4 stars). 4 submissions from 4 submitters: Pathogenic (1); Likely pathogenic (2). 1 of the submissions does not count toward it. Last evaluated 2021-11-07.

Conditions:
Tuberous sclerosis syndrome (TSC). Also called: Tuberous Sclerosis Complex; Tuberous sclerosis. Identifiers: Orphanet 805, MedGen C0041341, MONDO:0001734.
Hereditary cancer-predisposing syndrome. Also called: Neoplastic Syndromes, Hereditary; Tumor predisposition; Hereditary Cancer Syndrome; Hereditary neoplastic syndrome. Identifiers: Orphanet 140162, MedGen C0027672, MeSH D009386, MONDO:0015356.
Tuberous sclerosis 2 (TSC2). Identifiers: Orphanet 805, MedGen C1860707, MONDO:0013199, OMIM 613254.

Submissions (4):

Genome-Nilou Lab
Classification: Likely pathogenic for Tuberous sclerosis 2. Last evaluated: 2021-11-07. Review status: criteria provided, single submitter. Criteria: ACMG Guidelines, 2015. Collection method: clinical testing. Allele origin: germline. Affected: no.

Labcorp Genetics (formerly Invitae), Labcorp
Classification: Pathogenic for Tuberous sclerosis 2. Last evaluated: 2020-03-29. Review status: criteria provided, single submitter. Criteria: Invitae Variant Classification Sherloc (09022015). Collection method: clinical testing. Allele origin: germline.
Comment: This sequence change replaces cysteine with tyrosine at codon 696 of the TSC2 protein (p.Cys696Tyr). The cysteine residue is highly conserved and there is a large physicochemical difference between cysteine and tyrosine. This variant is not present in population databases (ExAC no frequency). This variant has been observed in several individuals affected with tuberous sclerosis (PMID: 10205261, Invitae). ClinVar contains an entry for this variant (Variation ID: 50106). This variant has been reported to affect TSC2 protein function (PMID: 10205261, 15483652, 21309039). This variant disrupts the p.Cys696 amino acid residue in TSC2. Other variant(s) that disrupt this residue have been observed in individuals with TSC2-related conditions (PMID: 16981987), which suggests that this may be a clinically significant amino acid residue. For these reasons, this variant has been classified as Pathogenic.

Ambry Genetics
Classification: Likely pathogenic for Hereditary cancer-predisposing syndrome. Last evaluated: 2016-09-12. Review status: criteria provided, single submitter. Criteria: Ambry Variant Classification Scheme 2023. Collection method: clinical testing. Allele origin: germline.
Comment: The p.C696Y variant (also known as c.2087G>A), located in coding exon 18 of the TSC2 gene, results from a G to A substitution at nucleotide position 2087. The cysteine at codon 696 is replaced by tyrosine, an amino acid with highly dissimilar properties. This variant was first reported in a patient who met diagnostic criteria for tuberous sclerosis complex (Jones AC et al. Am. J. Hum. Genet., 1999 May;64:1305-15). In addition, functional studies indicate that this variant disrupts the tuberin-hamartin interaction, inhibits phosphorylation, and does not stimulate the rheb GTPase activity (Nellist M et al. Hum. Mol. Genet., 2001 Dec;10:2889-98; Nellist M et al. Eur. J. Hum. Genet., 2005 Jan;13:59-68). This variant was previously reported in the SNPDatabase as rs45486196, but was absent from population-based cohorts in the NHLBI Exome Sequencing Project (ESP) and 1000 Genomes Project databases. This amino acid position is highly conserved in available vertebrate species. In addition, this alteration is predicted to be deleterious by in silico analysis. Based on the majority of available evidence to date, this variant is likely to be pathogenic.

Tuberous sclerosis database (TSC2)
No classification provided. Condition: TSC. Review status: no classification provided. Criteria: Tuberous Sclerosis Database Assertion Criteria 2015. Collection method: curation. Allele origin: germline. Affected: yes. Not counted in ClinVar's aggregate classification.

Literature cited by the submitters: PubMed 10205261 (cited by Labcorp Genetics (formerly Invitae), Labcorp and Ambry Genetics); PubMed 15483652 (cited by Labcorp Genetics (formerly Invitae), Labcorp and Ambry Genetics); PubMed 21309039 (cited by Labcorp Genetics (formerly Invitae), Labcorp and Ambry Genetics); PubMed 16981987 (cited by Labcorp Genetics (formerly Invitae), Labcorp); PubMed 11741832 (cited by Ambry Genetics).

NM_000548.5(TSC2):c.2087G>A (p.Cys696Tyr)

Gene: TSC2 (TSC complex subunit 2; plus strand). Cytogenetic location: 16p13.3.
Variant type: single nucleotide variant.
Coding change: c.2087G>A on transcript NM_000548.5 (MANE Select); coding-DNA position 2087, G replaced by A.
Protein change: p.Cys696Tyr; replaces cysteine 696 with tyrosine.
Molecular consequence: missense variant.
Genome position (GRCh38, 1-based): chr16:2,071,924, G>A. VCF-style: chr16-2071924-G-A. GRCh37 (hg19) VCF-style: chr16-2121925-G-A.
Other names: c.2087G>A, p.Cys696Tyr (NM_001077183.3, NM_001114382.3, NM_001363528.2 and 3 more transcripts); c.1976G>A, p.Cys659Tyr (NM_001318827.2); c.1940G>A, p.Cys647Tyr (NM_001318829.2); c.1487G>A, p.Cys496Tyr (NM_001318831.2); c.2120G>A, p.Cys707Tyr (NM_001318832.2); short protein forms C696Y, C496Y, C707Y, C647Y, C659Y.
Identifiers: ClinVar variation 50106 (VCV000050106.16), dbSNP rs45486196, ClinGen allele CA016643.